The following is an entry in ClinVar:

ClinVar aggregate classification (germline): Uncertain significance (1 of 4 stars; one submission).

Conditions:
Emery-Dreifuss muscular dystrophy 5, autosomal dominant (EDMD5). Also called: EMERY-DREIFUSS MUSCULAR DYSTROPHY 5. Identifiers: Orphanet 261, MedGen C2751805, MONDO:0013072, OMIM 612999.

gnomAD v4.1: 2 of 1,614,148 alleles (0.00012%); highest among the groups gnomAD compares: Non-Finnish European, 0.00017%; no homozygotes.

Submission:

Labcorp Genetics (formerly Invitae), Labcorp
Classification: Uncertain significance for Emery-Dreifuss muscular dystrophy 5, autosomal dominant. Last evaluated: 2025-09-23. Review status: criteria provided, single submitter. Criteria: Invitae Variant Classification Sherloc (09022015). Collection method: clinical testing. Allele origin: germline.
Comment: This sequence change replaces histidine, which is basic and polar, with arginine, which is basic and polar, at codon 5465 of the SYNE2 protein (p.His5465Arg). This variant is not present in population databases (gnomAD no frequency). This variant has not been reported in the literature in individuals affected with SYNE2-related conditions. An algorithm developed to predict the effect of missense changes on protein structure and function (PolyPhen-2) suggests that this variant is likely to be tolerated. In summary, the available evidence is currently insufficient to determine the role of this variant in disease. Therefore, it has been classified as a Variant of Uncertain Significance.

NM_182914.3(SYNE2):c.16394A>G (p.His5465Arg)

Gene: SYNE2 (spectrin repeat containing nuclear envelope protein 2; plus strand). Cytogenetic location: 14q23.2.
Variant type: single nucleotide variant.
Coding change: c.16394A>G on transcript NM_182914.3 (MANE Select); coding-DNA position 16394, A replaced by G.
Protein change: p.His5465Arg; replaces histidine 5465 with arginine.
Molecular consequence: missense variant.
Genome position (GRCh38, 1-based): chr14:64,163,496, A>G. VCF-style: chr14-64163496-A-G. GRCh37 (hg19) VCF-style: chr14-64630214-A-G.
Other names: c.16394A>G, p.His5465Arg (NM_015180.6); short protein forms H5465R.
Identifiers: ClinVar variation 4692971 (VCV004692971.1).
Genomic context (GRCh38, chr14:64,163,496, plus strand): 5'-CCTTTCTCCAAAATTCCAGTGTCCTGGATCGACTCCCACAACCCGCAGAGTCCAGCACCC[A>G]CATGCTCCTCCCGGGCCCCCTGCACTCTCTCCAGAGGGCTGCTTATTTGGAAAAGATGCT-3'
Protein context (NP_878918.2, residues 5455-5475): RLPQPAESST[His5465Arg]MLLPGPLHSL